The following is an entry in ClinVar:

ClinVar aggregate classification (germline): Uncertain significance. Review status: criteria provided, multiple submitters, no conflicts (2 of 4 stars). 2 submissions from 2 submitters: Uncertain significance (2). Last evaluated 2022-10-04.

Conditions:
Hereditary cancer-predisposing syndrome. Also called: Neoplastic Syndromes, Hereditary; Tumor predisposition; Hereditary Cancer Syndrome; Hereditary neoplastic syndrome. Identifiers: Orphanet 140162, MedGen C0027672, MeSH D009386, MONDO:0015356.

Allele frequency attached by ClinVar (database versions not stated): gnomAD exomes 0.00001 and 0.00002; ExAC 0.00003.
gnomAD v4.1: 8 of 1,614,212 alleles (0.0005%); highest among the groups gnomAD compares: South Asian, 0.0088%; no homozygotes.

Submissions (2):

Blueprint Genetics
Classification: Uncertain significance. Last evaluated: 2022-10-04. Review status: criteria provided, single submitter. Criteria: ACMG Guidelines, 2015. Collection method: clinical testing. Allele origin: germline.

Ambry Genetics
Classification: Uncertain significance for Hereditary cancer-predisposing syndrome. Last evaluated: 2019-09-17. Review status: criteria provided, single submitter. Criteria: Ambry Variant Classification Scheme 2023. Collection method: clinical testing. Allele origin: germline.
Comment: The p.H913L variant (also known as c.2738A>T), located in coding exon 7 of the PALB2 gene, results from an A to T substitution at nucleotide position 2738. The histidine at codon 913 is replaced by leucine, an amino acid with similar properties. This amino acid position is well conserved in available vertebrate species. In addition, this alteration is predicted to be tolerated by in silico analysis. Since supporting evidence is limited at this time, the clinical significance of this alteration remains unclear.

NM_024675.4(PALB2):c.2738A>T (p.His913Leu)

Gene: PALB2 (partner and localizer of BRCA2; minus strand). Cytogenetic location: 16p12.2.
Variant type: single nucleotide variant.
Coding change: c.2738A>T on transcript NM_024675.4 (MANE Select); coding-DNA position 2738, A replaced by T.
Protein change: p.His913Leu; replaces histidine 913 with leucine.
Molecular consequence: missense variant.
Genome position (GRCh38, 1-based): chr16:23,626,246, T>A on the plus strand (A>T on the coding strand, the complement: PALB2 is on the minus strand). VCF-style: chr16-23626246-T-A. GRCh37 (hg19) VCF-style: chr16-23637567-T-A.
Other names: short protein forms H913L.
Identifiers: ClinVar variation 821743 (VCV000821743.5), dbSNP rs760363440, ClinGen allele CA7963504.
Genomic context (GRCh38, chr16:23,626,246, plus strand): 5'-ATCAGGCAAATGGCTGCAAAGATCTCTTTCAGCTCGAGATTCCCACTTACCTCTGCGAAG[T>A]GCCAGGTATAAAGTTTTTCCCACTGCCAAGCATCCAGAGCTTTCCAAAGAGAAACTACAT-3'
Protein context (NP_078951.2, residues 903-923): AWQWEKLYTW[His913Leu]FAEVPVLQIV